The following is an entry in ClinVar:

NM_001276345.2(TNNT2):c.449T>A (p.Ile150Asn)

Gene: TNNT2 (troponin T2, cardiac type; minus strand). Cytogenetic location: 1q32.1.
Variant type: single nucleotide variant.
Coding change: c.449T>A on transcript NM_001276345.2 (MANE Select); coding-DNA position 449, T replaced by A.
Protein change: p.Ile150Asn; replaces isoleucine 150 with asparagine.
Molecular consequence: missense variant.
Genome position (GRCh38, 1-based): chr1:201,364,338, A>T on the plus strand (T>A on the coding strand, the complement: TNNT2 is on the minus strand). VCF-style: chr1-201364338-A-T. GRCh37 (hg19) VCF-style: chr1-201333466-A-T.
Other names: c.449T>A, p.Ile150Asn (NM_000364.4, NM_001406723.1); c.419T>A, p.Ile140Asn (NM_001001430.3, NM_001001431.3, NM_001276347.2 and 3 more transcripts); c.404T>A, p.Ile135Asn (NM_001001432.3, NM_001406728.1); c.329T>A, p.Ile110Asn (NM_001276346.2); c.416T>A, p.Ile139Asn (NM_001406725.1); short protein forms I110N, I135N, I139N, I140N, I150N.
Identifiers: ClinVar variation 3070500 (VCV003070500.1), dbSNP rs2526999502, ClinGen allele CA344205787.

ClinVar aggregate classification (germline): Uncertain significance (1 of 4 stars; one submission).

Conditions:
Cardiomyopathy (CMYO). Also called: Cardiomyopathies. Identifiers: Orphanet 167848, MedGen C0878544, MONDO:0004994, HP:0001638. Inheritance: Various modes of inheritance.

Submission:

All of Us Research Program, National Institutes of Health
Classification: Uncertain significance for Cardiomyopathy. Last evaluated: 2023-04-27. Review status: criteria provided, single submitter. Criteria: ACMG Guidelines, 2015. Collection method: clinical testing. Allele origin: germline. Inheritance: Autosomal dominant inheritance. Observed: 1 variant allele, 1 heterozygote.
Comment: This study involves interpretation of variants in research participants for the purpose of population health screening. Participant phenotype was not available at the time of variant classification. Additional details can be found in publication PMID: 35346344, PMCID: PMC8962531